The following is an entry in ClinVar:

NM_020774.4(MIB1):c.1011T>A (p.Asp337Glu)

Gene: MIB1 (MIB E3 ubiquitin protein ligase 1; plus strand). Cytogenetic location: 18q11.2.
Variant type: single nucleotide variant.
Coding change: c.1011T>A on transcript NM_020774.4 (MANE Select); coding-DNA position 1011, T replaced by A.
Protein change: p.Asp337Glu; replaces aspartic acid 337 with glutamic acid.
Molecular consequence: missense variant.
Genome position (GRCh38, 1-based): chr18:21,791,476, T>A. VCF-style: chr18-21791476-T-A. GRCh37 (hg19) VCF-style: chr18-19371437-T-A.
Other names: short protein forms D337E.
Identifiers: ClinVar variation 1731735 (VCV001731735.2), dbSNP rs765158226, ClinGen allele CA8908179.
Genomic context (GRCh38, chr18:21,791,476, plus strand): 5'-CCGAAGTGGAGATGCTGCTCAGGGTGCAGAAGGAGGCACCTCGCAGTTTCAAGTGGGTGA[T>A]CTTGTACAAGTTTGTTATGACCTGGAACGAATTAAACTTCTACAAAGAGGACATGGAGAA-3'
Protein context (NP_065825.1, residues 327-347): EGGTSQFQVG[Asp337Glu]LVQVCYDLER

ClinVar aggregate classification (germline): Uncertain significance (1 of 4 stars; one submission).

Conditions:
Inborn genetic diseases. Identifiers: MedGen C0950123, MeSH D030342.

Allele frequency attached by ClinVar (database versions not stated): TOPMed below 0.00001; ExAC 0.00001; gnomAD exomes 0.00002.
gnomAD v4.1: 31 of 1,614,106 alleles (0.0019%); highest among the groups gnomAD compares: Non-Finnish European, 0.0026%; no homozygotes.

Submission:

Ambry Genetics
Classification: Uncertain significance for Inborn genetic diseases. Last evaluated: 2022-03-06. Review status: criteria provided, single submitter. Criteria: Ambry Variant Classification Scheme 2023. Collection method: clinical testing. Allele origin: germline.
Comment: The p.D337E variant (also known as c.1011T>A), located in coding exon 7 of the MIB1 gene, results from a T to A substitution at nucleotide position 1011. The aspartic acid at codon 337 is replaced by glutamic acid, an amino acid with highly similar properties. This amino acid position is conserved. In addition, this alteration is predicted to be tolerated by in silico analysis. Since supporting evidence is limited at this time, the clinical significance of this alteration remains unclear.